The following is an entry in ClinVar:

ClinVar aggregate classification (germline): Uncertain significance (1 of 4 stars; one submission).

Conditions:
Cardiovascular phenotype. Identifiers: MedGen CN230736.

gnomAD v4.1: 2 of 1,614,032 alleles (0.00012%); highest among the groups gnomAD compares: East Asian, 0.0022%; no homozygotes.

Submission:

Ambry Genetics
Classification: Uncertain significance for Cardiovascular phenotype. Last evaluated: 2025-10-08. Review status: criteria provided, single submitter. Criteria: Ambry Variant Classification Scheme 2023. Collection method: clinical testing. Allele origin: germline.
Comment: The p.Y909C variant (also known as c.2726A>G), located in coding exon 8 of the ALMS1 gene, results from an A to G substitution at nucleotide position 2726. The tyrosine at codon 909 is replaced by cysteine, an amino acid with highly dissimilar properties. This amino acid position is highly conserved in available vertebrate species. In addition, the in silico prediction for this alteration is inconclusive. Based on the available evidence, the clinical significance of this variant remains unclear.

NM_001378454.1(ALMS1):c.2723A>G (p.Tyr908Cys)

Gene: ALMS1 (ALMS1 centrosome and basal body associated protein; plus strand). Cytogenetic location: 2p13.1.
Variant type: single nucleotide variant.
Coding change: c.2723A>G on transcript NM_001378454.1 (MANE Select); coding-DNA position 2723, A replaced by G.
Protein change: p.Tyr908Cys; replaces tyrosine 908 with cysteine.
Molecular consequence: missense variant.
Genome position (GRCh38, 1-based): chr2:73,449,250, A>G. VCF-style: chr2-73449250-A-G. GRCh37 (hg19) VCF-style: chr2-73676377-A-G.
Other names: c.2726A>G, p.Tyr909Cys (NM_015120.4); short protein forms Y909C, Y908C.
Identifiers: ClinVar variation 4613466 (VCV004613466.1).